The following is an entry in ClinVar:

ClinVar aggregate classification (germline): Uncertain significance (1 of 4 stars; one submission).

Submission:

Labcorp Genetics (formerly Invitae), Labcorp
Classification: Uncertain significance. Last evaluated: 2022-08-09. Review status: criteria provided, single submitter. Criteria: Invitae Variant Classification Sherloc (09022015). Collection method: clinical testing. Allele origin: germline.
Comment: In summary, the available evidence is currently insufficient to determine the role of this variant in disease. Therefore, it has been classified as a Variant of Uncertain Significance. This variant has not been reported in the literature in individuals affected with DTHD1-related conditions. This variant is not present in population databases (gnomAD no frequency). This sequence change creates a premature translational stop signal (p.Pro210Leufs*18) in the DTHD1 gene. It is expected to result in an absent or disrupted protein product. However, the current clinical and genetic evidence is not sufficient to establish whether loss-of-function variants in DTHD1 cause disease.

NM_001170700.3(DTHD1):c.1499_1506del (p.Pro500fs)

Gene: DTHD1 (death domain containing 1; plus strand). Cytogenetic location: 4p14.
Variant type: Deletion.
Coding change: c.1499_1506del on transcript NM_001170700.3 (MANE Select); coding-DNA positions 1499 to 1506, 8 bases deleted (CATCAACT; older notation c.1499_1506delCATCAACT).
Protein change: p.Pro500fs; shifts the reading frame from proline 500.
Molecular consequence: frameshift variant. On other transcripts: non-coding transcript variant (2).
Genome position (GRCh38, 1-based): chr4:36,294,895-36,294,902, CATCAACT deleted. VCF-style (leftmost placement, unchanged base first): chr4-36294894-CCATCAACT-C. GRCh37 (hg19) VCF-style: chr4-36296516-CCATCAACT-C.
Other names: c.629_636del, p.Pro210fs (NM_001136536.5); c.566_573del, p.Pro189fs (NM_001378435.1); short protein forms P210fs, P189fs, P500fs.
Identifiers: ClinVar variation 2041495 (VCV002041495.4), dbSNP rs2529730955, ClinGen allele CA2580070952.